The following is an entry in ClinVar:

NM_177402.5(SYT2):c.348_353del (p.Asp118_Asp119del)

Gene: SYT2 (synaptotagmin 2; minus strand). Cytogenetic location: 1q32.1.
Variant type: Deletion.
Coding change: c.348_353del on transcript NM_177402.5 (MANE Select); coding-DNA positions 348 to 353, 6 bases deleted (TGACGA; older notation c.348_353delTGACGA).
Protein change: p.Asp118_Asp119del.
Molecular consequence: inframe deletion.
Genome position (GRCh38, 1-based): chr1:202,603,111-202,603,116, TCGTCA deleted on the plus strand (TGACGA on the coding strand, the reverse complement: SYT2 is on the minus strand); deleting any 6 consecutive bases within chr1:202,603,111-202,603,118 gives the same sequence; the c. name uses the placement nearest the transcript's 3' end. VCF-style (leftmost placement, unchanged base first): chr1-202603110-GTCGTCA-G. GRCh37 (hg19) VCF-style: chr1-202572238-GTCGTCA-G.
Other names: c.348_353del, p.Asp118_Asp119del (NM_001136504.1).
Identifiers: ClinVar variation 1411091 (VCV001411091.8), dbSNP rs751800267, ClinGen allele CA1333800.

ClinVar aggregate classification (germline): Uncertain significance (1 of 4 stars; one submission).

Submission:

Labcorp Genetics (formerly Invitae), Labcorp
Classification: Uncertain significance. Last evaluated: 2025-09-28. Review status: criteria provided, single submitter. Criteria: Invitae Variant Classification Sherloc (09022015). Collection method: clinical testing. Allele origin: germline.
Comment: This variant, c.348_353del, results in the deletion of 2 amino acid(s) of the SYT2 protein (p.Asp118_Asp119del), but otherwise preserves the integrity of the reading frame. This variant is present in population databases (rs751800267, gnomAD 0.009%). This variant has not been reported in the literature in individuals affected with SYT2-related conditions. ClinVar contains an entry for this variant (Variation ID: 1411091). Experimental studies and prediction algorithms are not available or were not evaluated, and the functional significance of this variant is currently unknown. In summary, the available evidence is currently insufficient to determine the role of this variant in disease. Therefore, it has been classified as a Variant of Uncertain Significance.